The following is an entry in ClinVar:

ClinVar aggregate classification (germline): Benign. Review status: criteria provided, multiple submitters, no conflicts (2 of 4 stars). 2 submissions from 2 submitters: Benign (2). Last evaluated 2018-01-13.

Conditions:
Microcephaly, normal intelligence and immunodeficiency (NBS). Also called: Ataxia telangiectasia variant V1; Immunodeficiency, microcephaly with normal intelligence; IMMUNODEFICIENCY, MICROCEPHALY, AND CHROMOSOMAL INSTABILITY; SEEMANOVA SYNDROME II; Nijmegen breakage syndrome; Microcephaly with normal intelligence immunodeficiency and lymphoreticular malignancies. Identifiers: Orphanet 647, MedGen C0398791, MONDO:0009623, OMIM 251260.

Allele frequency attached by ClinVar (database versions not stated): TOPMed 0.31156; gnomAD 0.31588 and 0.31727; 1000 Genomes Project 30x 0.32808; gnomAD exomes 0.33354; 1000 Genomes Project 0.33546.

Submissions (2):

Illumina Laboratory Services, Illumina
Classification: Benign for Microcephaly, normal intelligence and immunodeficiency. Last evaluated: 2018-01-13. Review status: criteria provided, single submitter. Criteria: ICSL Variant Classification Criteria 13 December 2019. Collection method: clinical testing. Allele origin: germline.
Comment: This variant was observed in the ICSL laboratory as part of a predisposition screen in an ostensibly healthy population. It had not been previously curated by ICSL or reported in the Human Gene Mutation Database (HGMD: prior to June 1st, 2018), and was therefore a candidate for classification through an automated scoring system. Utilizing variant allele frequency, disease prevalence and penetrance estimates, and inheritance mode, an automated score was calculated to assess if this variant is too frequent to cause the disease. Based on the score and internal cut-off values, a variant classified as benign is not then subjected to further curation. The score for this variant resulted in a classification of benign for this disease.

Breakthrough Genomics
Classification: Benign. Review status: criteria provided, single submitter. Criteria: ACMG Guidelines, 2015. Collection method: not provided. Allele origin: germline. Inheritance: Autosomal recessive inheritance. Affected: yes.

NM_002485.5(NBN):c.*1754T>C

Gene: NBN (nibrin; minus strand). Cytogenetic location: 8q21.3.
Variant type: single nucleotide variant.
Coding change: c.*1754T>C on transcript NM_002485.5 (MANE Select); 1754 bases downstream of the stop codon, T replaced by C.
Molecular consequence: 3 prime UTR variant.
Genome position (GRCh38, 1-based): chr8:89,933,828, A>G on the plus strand (T>C on the coding strand, the complement: NBN is on the minus strand). VCF-style: chr8-89933828-A-G. GRCh37 (hg19) VCF-style: chr8-90946056-A-G.
Other names: c.*1754T>C (NM_001024688.3).
Identifiers: ClinVar variation 363896 (VCV000363896.6), dbSNP rs9995, ClinGen allele CA10628373.
Genomic context (GRCh38, chr8:89,933,828, plus strand): 5'-ATTCATCAAAAGACATAAAGAAAACAGTCAAGCCACAGACTAGGTGTAATATCTCAATAC[A>G]TATATCCGACAAGAGACTTGCATCTAGAATGTATAAAGAATTTCTATGACCCAATTATAG-3'